The following is an entry in ClinVar:

NM_000363.5(TNNI3):c.433C>A (p.Arg145=)

Gene: TNNI3 (troponin I3, cardiac type; minus strand). Cytogenetic location: 19q13.42.
Variant type: single nucleotide variant.
Coding change: c.433C>A on transcript NM_000363.5 (MANE Select); coding-DNA position 433, C replaced by A.
Protein change: p.Arg145=; no amino-acid change (arginine 145 retained).
Molecular consequence: synonymous variant.
Genome position (GRCh38, 1-based): chr19:55,154,146, G>T on the plus strand (C>A on the coding strand, the complement: TNNI3 is on the minus strand). VCF-style: chr19-55154146-G-T. GRCh37 (hg19) VCF-style: chr19-55665514-G-T.
Identifiers: ClinVar variation 3071814 (VCV003071814.3), dbSNP rs104894724, ClinGen allele CA508989444.
Genomic context (GRCh38, chr19:55,154,146, plus strand): 5'-CCTTAGCCCGGGCCCCCAGCAGCGCCTGCATCATGGCATCTGCAGAGATCCTCACTCTCC[G>T]CAGGGTGGGCCGCTTAAACTTGCCTCGAAGGTCAAAGATCTTCTGAGTCAGATCTGCAAT-3'
Protein context (NP_000354.4, residues 135-155): LRGKFKRPTL[Arg145=]RVRISADAMM

ClinVar aggregate classification (germline): Likely benign. Review status: criteria provided, multiple submitters, no conflicts (2 of 4 stars). 2 submissions from 2 submitters: Likely benign (2). Last evaluated 2025-03-30.

Conditions:
Hypertrophic cardiomyopathy. Also called: HYPERTROPHIC MYOCARDIOPATHY. Identifiers: Orphanet 217569, MedGen C0007194, MeSH D002312, MONDO:0005045, HP:0001639.

gnomAD v4.1: 2 of 1,613,130 alleles (0.00012%); highest among the groups gnomAD compares: Non-Finnish European, 0.00017%; no homozygotes.

Submissions (2):

Labcorp Genetics (formerly Invitae), Labcorp
Classification: Likely benign for Hypertrophic cardiomyopathy. Last evaluated: 2025-03-30. Review status: criteria provided, single submitter. Criteria: Invitae Variant Classification Sherloc (09022015). Collection method: clinical testing. Allele origin: germline.

All of Us Research Program, National Institutes of Health
Classification: Likely benign for Hypertrophic cardiomyopathy. Last evaluated: 2023-06-26. Review status: criteria provided, single submitter. Criteria: ACMG Guidelines, 2015. Collection method: clinical testing. Allele origin: germline. Inheritance: Autosomal dominant inheritance. Observed: 1 variant allele, 1 heterozygote.
Comment: This study involves interpretation of variants in research participants for the purpose of population health screening. Participant phenotype was not available at the time of variant classification. Additional details can be found in publication PMID: 35346344, PMCID: PMC8962531